The following is an entry in ClinVar:

NM_004415.4(DSP):c.3165del (p.Asn1055fs)

Gene: DSP (desmoplakin; plus strand). Cytogenetic location: 6p24.3.
Variant type: Deletion.
Coding change: c.3165del on transcript NM_004415.4 (MANE Select); coding-DNA position 3165, one base deleted (C; older notation c.3165delC).
Protein change: p.Asn1055fs; shifts the reading frame from asparagine 1055.
Molecular consequence: frameshift variant.
Genome position (GRCh38, 1-based): chr6:7,579,355, C deleted. VCF-style (leftmost placement, unchanged base first): chr6-7579354-AC-A. GRCh37 (hg19) VCF-style: chr6-7579587-AC-A.
Other names: c.3165del, p.Asn1055fs (NM_001008844.3, NM_001319034.2); short protein forms N1055fs.
Identifiers: ClinVar variation 1677217 (VCV001677217.1), dbSNP rs2113691213, ClinGen allele CA2573140790.

ClinVar aggregate classification (germline): Likely pathogenic (1 of 4 stars; one submission).

Conditions:
Familial isolated arrhythmogenic right ventricular dysplasia. Identifiers: Orphanet 217656, MedGen C4274968, MONDO:0016342.

Submission:

Women's Health and Genetics/Laboratory Corporation of America, LabCorp
Classification: Likely pathogenic for Familial isolated arrhythmogenic right ventricular dysplasia. Last evaluated: 2022-03-29. Review status: criteria provided, single submitter. Criteria: LabCorp Variant Classification Summary - May 2015. Collection method: clinical testing. Allele origin: germline.
Comment: Variant summary: DSP c.3165delC (p.Asn1055LysfsX28) results in a premature termination codon, predicted to cause a truncation of the encoded protein or absence of the protein due to nonsense mediated decay, which are commonly known mechanisms for disease. Truncations downstream of this position have been classified as pathogenic by our laboratory. The variant was absent in 250976 control chromosomes (gnomAD). To our knowledge, no occurrence of c.3165delC in individuals affected with Arrhythmogenic Right Ventricular Dysplasia/Cardiomyopathy and no experimental evidence demonstrating its impact on protein function have been reported. No clinical diagnostic laboratories have submitted clinical-significance assessments for this variant to ClinVar after 2014. Based on the evidence outlined above, the variant was classified as likely pathogenic.